The following is an entry in ClinVar:

ClinVar aggregate classification (germline): Uncertain significance (1 of 4 stars; one submission).

Conditions:
SMARCAD1-related disorder. Also called: SMARCAD1-related condition.

Submission:

3billion
Classification: Uncertain significance for SMARCAD1-related disorder. Last evaluated: 2025-08-29. Review status: criteria provided, single submitter. Criteria: ACMG Guidelines, 2015. Collection method: clinical testing. Allele origin: germline. Affected: yes.
Comment: The variant is not observed in the gnomAD v4.1.0 dataset. Predicted Consequence/Location: Intron variant In silico tools predict the variant to alter splicing and produce an abnormal transcript [SpliceAI: 0.34 (>=0.2, moderate evidence for spliceogenicity)]. Therefore, this variant is classified as VUS according to the recommendation of ACMG/AMP guideline.

NM_020159.5(SMARCAD1):c.1281+665G>C

Gene: SMARCAD1 (SNF2 related chromatin remodeling ATPase with DExD box 1; plus strand). Cytogenetic location: 4q22.3.
Variant type: single nucleotide variant.
Coding change: c.1281+665G>C on transcript NM_020159.5 (MANE Select); 665 bases into the intron after coding-DNA position 1281, G replaced by C.
Molecular consequence: intron variant. On other transcripts: splice donor variant (2).
Genome position (GRCh38, 1-based): chr4:94,253,672, G>C. VCF-style: chr4-94253672-G-C. GRCh37 (hg19) VCF-style: chr4-95174823-G-C.
Other names: c.1281+665G>C (NM_001128430.2, NM_001375855.1, NM_001375858.1 and 2 more transcripts); c.1278+665G>C (NM_001375857.1); c.-10+1G>C (NM_001375859.1, NM_001254949.2).
Identifiers: ClinVar variation 4855667 (VCV004855667.1).